The following is an entry in ClinVar:

ClinVar aggregate classification (germline): Likely benign (1 of 4 stars; one submission).

Allele frequency attached by ClinVar (database versions not stated): gnomAD exomes below 0.00001.
gnomAD v4.1: 3 of 1,612,142 alleles (0.00019%); highest among the groups gnomAD compares: Non-Finnish European, 0.00025%; no homozygotes.

Submission:

GeneDx
Classification: Likely benign. Last evaluated: 2017-02-24. Review status: criteria provided, single submitter. Criteria: GeneDx Variant Classification (06012015). Collection method: clinical testing. Allele origin: germline. Affected: yes.
Comment: This variant is considered likely benign or benign based on one or more of the following criteria: it is a conservative change, it occurs at a poorly conserved position in the protein, it is predicted to be benign by multiple in silico algorithms, and/or has population frequency not consistent with disease.

NM_017617.5(NOTCH1):c.5865C>T (p.Asn1955=)

Gene: NOTCH1 (notch receptor 1; minus strand). Cytogenetic location: 9q34.3.
Variant type: single nucleotide variant.
Coding change: c.5865C>T on transcript NM_017617.5 (MANE Select); coding-DNA position 5865, C replaced by T.
Protein change: p.Asn1955=; no amino-acid change (asparagine 1955 retained).
Molecular consequence: synonymous variant.
Genome position (GRCh38, 1-based): chr9:136,500,621, G>A on the plus strand (C>T on the coding strand, the complement: NOTCH1 is on the minus strand). VCF-style: chr9-136500621-G-A. GRCh37 (hg19) VCF-style: chr9-139395073-G-A.
Other names: c.5865C>T, p.Asn1955= (LRG_1122t1).
Identifiers: ClinVar variation 507647 (VCV000507647.1), dbSNP rs1554826853, ClinGen allele CA467739396.